The following is an entry in ClinVar:

NM_000612.6(IGF2):c.163C>T (p.Pro55Ser)

Genes: IGF2 (insulin like growth factor 2; minus strand), INS-IGF2 (INS-IGF2 readthrough; minus strand). Cytogenetic location: 11p15.5.
Variant type: single nucleotide variant.
Coding change: c.163C>T on transcript NM_000612.6 (MANE Select); coding-DNA position 163, C replaced by T.
Protein change: p.Pro55Ser; replaces proline 55 with serine.
Molecular consequence: missense variant. On other transcripts: non-coding transcript variant (1).
Genome position (GRCh38, 1-based): chr11:2,133,660, G>A on the plus strand (C>T on the coding strand, the complement: IGF2 is on the minus strand). VCF-style: chr11-2133660-G-A. GRCh37 (hg19) VCF-style: chr11-2154890-G-A.
Other names: c.163C>T, p.Pro55Ser (NM_001007139.6, NM_001291861.3, NM_001291862.3); c.331C>T, p.Pro111Ser (NM_001127598.3); short protein forms P111S, P55S.
Identifiers: ClinVar variation 2504717 (VCV002504717.1), dbSNP rs2495577191, ClinGen allele CA379113727.

ClinVar aggregate classification (germline): Uncertain significance (1 of 4 stars; one submission).

Submission:

GeneDx
Classification: Uncertain significance. Last evaluated: 2022-12-06. Review status: criteria provided, single submitter. Criteria: GeneDx Variant Classification Process June 2021. Collection method: clinical testing. Allele origin: germline. Affected: yes.
Comment: Not observed at significant frequency in large population cohorts (gnomAD); In silico analysis supports that this missense variant has a deleterious effect on protein structure/function; Has not been previously published as pathogenic or benign to our knowledge